The following is an entry in ClinVar:

ClinVar aggregate classification (germline): Likely pathogenic (1 of 4 stars; one submission).

gnomAD v4.1: 12 of 1,551,020 alleles (0.00077%); highest among the groups gnomAD compares: African/African-American, 0.0027%; no homozygotes.

Submission:

GeneDx
Classification: Likely pathogenic. Last evaluated: 2025-12-20. Review status: criteria provided, single submitter. Criteria: GeneDx Variant Classification Process June 2021. Collection method: clinical testing. Allele origin: germline.
Comment: Nonsense variant predicted to result in protein truncation or nonsense mediated decay in a gene for which loss of function is a known mechanism of disease; Not observed at significant frequency in large population cohorts (gnomAD); Has not been previously published as pathogenic or benign to our knowledge

NM_001145026.2(PTPRQ):c.1251G>A (p.Trp417Ter)

Gene: PTPRQ (protein tyrosine phosphatase receptor type Q; plus strand). Cytogenetic location: 12q21.31.
Variant type: single nucleotide variant.
Coding change: c.1251G>A on transcript NM_001145026.2 (MANE Select); coding-DNA position 1251, G replaced by A.
Protein change: p.Trp417Ter; replaces tryptophan 417 with a stop codon.
Molecular consequence: nonsense.
Genome position (GRCh38, 1-based): chr12:80,484,497, G>A. VCF-style: chr12-80484497-G-A. GRCh37 (hg19) VCF-style: chr12-80878276-G-A.
Other names: short protein forms W417*.
Identifiers: ClinVar variation 3392643 (VCV003392643.2).